The following is an entry in ClinVar:

NM_016222.4(DDX41):c.1565G>A (p.Arg522His)

Gene: DDX41 (DEAD-box helicase 41; minus strand). Cytogenetic location: 5q35.3.
Variant type: single nucleotide variant.
Coding change: c.1565G>A on transcript NM_016222.4 (MANE Select); coding-DNA position 1565, G replaced by A.
Protein change: p.Arg522His; replaces arginine 522 with histidine.
Molecular consequence: missense variant.
Genome position (GRCh38, 1-based): chr5:177,512,378, C>T on the plus strand (G>A on the coding strand, the complement: DDX41 is on the minus strand). VCF-style: chr5-177512378-C-T. GRCh37 (hg19) VCF-style: chr5-176939379-C-T.
Other names: c.1565G>A (NM_016222.2); c.1187G>A, p.Arg396His (NM_001321732.2, NM_001321830.2); short protein forms R522H, R396H.
Identifiers: ClinVar variation 3014347 (VCV003014347.10), dbSNP rs2532075001, ClinGen allele CA362372455.

ClinVar aggregate classification (germline): Conflicting classifications of pathogenicity. Review status: criteria provided, conflicting classifications (1 of 4 stars). 3 submissions from 3 submitters: Likely pathogenic (1); Uncertain significance (2). Last evaluated 2025-11-01.

Conditions:
Inborn genetic diseases. Identifiers: MedGen C0950123, MeSH D030342.

Allele frequency attached by ClinVar (database versions not stated): gnomAD exomes below 0.00001.
gnomAD v4.1: 1 of 1,614,030 alleles (0.000062%); highest among the groups gnomAD compares: Non-Finnish European, 0.000085%; no homozygotes.

Submissions (3):

CeGaT Center for Human Genetics Tuebingen
Classification: Likely pathogenic. Last evaluated: 2025-11-01. Review status: criteria provided, single submitter. Criteria: CeGaT Center For Human Genetics Tuebingen Variant Classification Criteria Version 2. Collection method: clinical testing. Allele origin: germline. Affected: yes. Observed: 1 variant allele.
Comment: DDX41: PM1, PM2, PP2, PP3

Ambry Genetics
Classification: Uncertain significance for Inborn genetic diseases. Last evaluated: 2025-06-16. Review status: criteria provided, single submitter. Criteria: Ambry Variant Classification Scheme 2023. Collection method: clinical testing. Allele origin: germline.
Comment: The p.R522H variant (also known as c.1565G>A), located in coding exon 15 of the DDX41 gene, results from a G to A substitution at nucleotide position 1565. The arginine at codon 522 is replaced by histidine, an amino acid with highly similar properties. This amino acid position is highly conserved in available vertebrate species. In addition, this alteration is predicted to be deleterious by in silico analysis. Based on the available evidence, the clinical significance of this variant remains unclear.

Labcorp Genetics (formerly Invitae), Labcorp
Classification: Uncertain significance. Last evaluated: 2023-08-10. Review status: criteria provided, single submitter. Criteria: Invitae Variant Classification Sherloc (09022015). Collection method: clinical testing. Allele origin: germline.
Comment: In summary, the available evidence is currently insufficient to determine the role of this variant in disease. Therefore, it has been classified as a Variant of Uncertain Significance. This sequence change replaces arginine, which is basic and polar, with histidine, which is basic and polar, at codon 522 of the DDX41 protein (p.Arg522His). This variant is not present in population databases (gnomAD no frequency). This variant has not been reported in the literature in individuals affected with DDX41-related conditions. An algorithm developed to predict the effect of missense changes on protein structure and function (PolyPhen-2) suggests that this variant is likely to be tolerated.